The following is an entry in ClinVar:

ClinVar aggregate classification (germline): Uncertain significance. Review status: criteria provided, multiple submitters, no conflicts (2 of 4 stars). 3 submissions from 3 submitters: Uncertain significance (3). Last evaluated 2025-12-02.

Conditions:
Agammaglobulinemia 2, autosomal recessive (AGM2). Also called: AGAMMAGLOBULINEMIA, AUTOSOMAL RECESSIVE, DUE TO IGLL1 DEFECT. Identifiers: MedGen C3150750, MONDO:0013287, OMIM 613500.

Allele frequency attached by ClinVar (database versions not stated): ExAC 0.00014; 1000 Genomes Project 30x 0.00016; 1000 Genomes Project 0.00020; gnomAD 0.00031 and 0.00035; TOPMed 0.00037; ESP Exome Variant Server 0.00046.

Submissions (3):

Labcorp Genetics (formerly Invitae), Labcorp
Classification: Uncertain significance for Agammaglobulinemia 2, autosomal recessive. Last evaluated: 2025-12-02. Review status: criteria provided, single submitter. Criteria: Invitae Variant Classification Sherloc (09022015). Collection method: clinical testing. Allele origin: germline.
Comment: This sequence change replaces valine, which is neutral and non-polar, with methionine, which is neutral and non-polar, at codon 160 of the IGLL1 protein (p.Val160Met). This variant is present in population databases (rs138799296, gnomAD 0.1%), and has an allele count higher than expected for a pathogenic variant. This variant has not been reported in the literature in individuals affected with IGLL1-related conditions. ClinVar contains an entry for this variant (Variation ID: 644111). An algorithm developed to predict the effect of missense changes on protein structure and function (PolyPhen-2) suggests that this variant is likely to be disruptive. In summary, the available evidence is currently insufficient to determine the role of this variant in disease. Therefore, it has been classified as a Variant of Uncertain Significance.

Ambry Genetics
Classification: Uncertain significance. Last evaluated: 2024-06-10. Review status: criteria provided, single submitter. Criteria: Ambry Variant Classification Scheme 2023. Collection method: clinical testing. Allele origin: germline.

Breakthrough Genomics
Classification: Uncertain significance. Review status: criteria provided, single submitter. Criteria: ACMG Guidelines, 2015. Collection method: not provided. Allele origin: germline. Inheritance: Autosomal dominant inheritance. Affected: yes.

NM_020070.4(IGLL1):c.478G>A (p.Val160Met)

Gene: IGLL1 (immunoglobulin lambda like polypeptide 1; minus strand). Cytogenetic location: 22q11.23.
Variant type: single nucleotide variant.
Coding change: c.478G>A on transcript NM_020070.4 (MANE Select); coding-DNA position 478, G replaced by A.
Protein change: p.Val160Met; replaces valine 160 with methionine.
Molecular consequence: missense variant. On other transcripts: 3 prime UTR variant (1).
Genome position (GRCh38, 1-based): chr22:23,573,430, C>T on the plus strand (G>A on the coding strand, the complement: IGLL1 is on the minus strand). VCF-style: chr22-23573430-C-T. GRCh37 (hg19) VCF-style: chr22-23915617-C-T.
Other names: c.478G>A (NM_020070.2); c.481G>A, p.Val161Met (NM_001369906.1); c.*107G>A (NM_152855.3); short protein forms V161M, V160M.
Identifiers: ClinVar variation 644111 (VCV000644111.14), dbSNP rs138799296, ClinGen allele CA10143259.